The following is an entry in ClinVar:

ClinVar aggregate classification (germline): Likely benign. Review status: criteria provided, multiple submitters, no conflicts (2 of 4 stars). 2 submissions from 2 submitters: Likely benign (2). Last evaluated 2026-01-16.

Conditions:
Immunodeficiency 19 (IMD19). Also called: CD3-DELTA DEFICIENCY; SEVERE COMBINED IMMUNODEFICIENCY, T CELL-NEGATIVE, B CELL-POSITIVE, NK CELL-POSITIVE; SCID, T CELL-NEGATIVE, B CELL-POSITIVE, NK CELL-POSITIVE; IMMUNODEFICIENCY 19, SEVERE COMBINED. Identifiers: MedGen C3810147, MONDO:0014280, OMIM 615617.

Allele frequency attached by ClinVar (database versions not stated): gnomAD exomes 0.00007 and 0.00017; ExAC 0.00016; ESP Exome Variant Server 0.00077; 1000 Genomes Project 30x 0.00078; gnomAD 0.00081 and 0.00084; TOPMed 0.00089; 1000 Genomes Project 0.00100.
gnomAD v4.1: 227 of 1,613,512 alleles (0.014%); highest among the groups gnomAD compares: African/African-American, 0.27%; 1 homozygote.

Submissions (2):

Labcorp Genetics (formerly Invitae), Labcorp
Classification: Likely benign for Immunodeficiency 19. Last evaluated: 2026-01-16. Review status: criteria provided, single submitter. Criteria: Invitae Variant Classification Sherloc (09022015). Collection method: clinical testing. Allele origin: germline.

Baylor Genetics
Classification: Likely benign for Immunodeficiency 19. Last evaluated: 2024-04-03. Review status: criteria provided, single submitter. Criteria: ACMG Guidelines, 2015. Collection method: clinical testing. Allele origin: paternal. Affected: yes.
Comment: This variant was determined to be of uncertain significance according to ACMG Guidelines, 2015 [PMID:25741868].

NM_000732.6(CD3D):c.52C>A (p.Gln18Lys)

Gene: CD3D (CD3 delta subunit of T-cell receptor complex; minus strand). Cytogenetic location: 11q23.3.
Variant type: single nucleotide variant.
Coding change: c.52C>A on transcript NM_000732.6 (MANE Select); coding-DNA position 52, C replaced by A.
Protein change: p.Gln18Lys; replaces glutamine 18 with lysine.
Molecular consequence: missense variant.
Genome position (GRCh38, 1-based): chr11:118,342,556, G>T on the plus strand (C>A on the coding strand, the complement: CD3D is on the minus strand). VCF-style: chr11-118342556-G-T. GRCh37 (hg19) VCF-style: chr11-118213271-G-T.
Other names: c.52C>A, p.Gln18Lys (NM_001040651.2); short protein forms Q18K.
Identifiers: ClinVar variation 541671 (VCV000541671.16), dbSNP rs141902449, ClinGen allele CA6302021.